The following is an entry in ClinVar:

ClinVar aggregate classification (germline): Uncertain significance. Review status: criteria provided, multiple submitters, no conflicts (2 of 4 stars). 2 submissions from 2 submitters: Uncertain significance (2). Last evaluated 2025-08-04.

gnomAD v4.1: 5 of 1,608,508 alleles (0.00031%); highest among the groups gnomAD compares: Non-Finnish European, 0.00034%; no homozygotes.

Submissions (2):

Ambry Genetics
Classification: Uncertain significance. Last evaluated: 2025-08-04. Review status: criteria provided, single submitter. Criteria: Ambry Variant Classification Scheme 2023. Collection method: clinical testing. Allele origin: germline.

Labcorp Genetics (formerly Invitae), Labcorp
Classification: Uncertain significance. Last evaluated: 2024-02-08. Review status: criteria provided, single submitter. Criteria: Invitae Variant Classification Sherloc (09022015). Collection method: clinical testing. Allele origin: germline.
Comment: This sequence change replaces arginine, which is basic and polar, with serine, which is neutral and polar, at codon 1673 of the DSCAML1 protein (p.Arg1673Ser). This variant is present in population databases (rs774593557, gnomAD 0.0009%). This variant has not been reported in the literature in individuals affected with DSCAML1-related conditions. An algorithm developed to predict the effect of missense changes on protein structure and function (PolyPhen-2) suggests that this variant is likely to be disruptive. In summary, the available evidence is currently insufficient to determine the role of this variant in disease. Therefore, it has been classified as a Variant of Uncertain Significance.

NM_020693.4(DSCAML1):c.4837C>A (p.Arg1613Ser)

Gene: DSCAML1 (DS cell adhesion molecule like 1; minus strand). Cytogenetic location: 11q23.3.
Variant type: single nucleotide variant.
Coding change: c.4837C>A on transcript NM_020693.4 (MANE Select); coding-DNA position 4837, C replaced by A.
Protein change: p.Arg1613Ser; replaces arginine 1613 with serine.
Molecular consequence: missense variant.
Genome position (GRCh38, 1-based): chr11:117,435,683, G>T on the plus strand (C>A on the coding strand, the complement: DSCAML1 is on the minus strand). VCF-style: chr11-117435683-G-T. GRCh37 (hg19) VCF-style: chr11-117306399-G-T.
Other names: c.5017C>A (NM_020693.2); short protein forms R1613S.
Identifiers: ClinVar variation 3623703 (VCV003623703.3).